The following is an entry in ClinVar:

NM_006005.3(WFS1):c.2314C>T (p.Arg772Cys)

Gene: WFS1 (wolframin ER transmembrane glycoprotein; plus strand). Cytogenetic location: 4p16.1.
Variant type: single nucleotide variant.
Coding change: c.2314C>T on transcript NM_006005.3 (MANE Select); coding-DNA position 2314, C replaced by T.
Protein change: p.Arg772Cys; replaces arginine 772 with cysteine.
Molecular consequence: missense variant.
Genome position (GRCh38, 1-based): chr4:6,302,109, C>T. VCF-style: chr4-6302109-C-T. GRCh37 (hg19) VCF-style: chr4-6303836-C-T.
Other names: c.2314C>T, p.Arg772Cys (NM_001145853.1); short protein forms R772C.
Identifiers: ClinVar variation 1473197 (VCV001473197.14), dbSNP rs149540655, ClinGen allele CA2839682.
Genomic context (GRCh38, chr4:6,302,109, plus strand): 5'-GAGGAGCTCTGTCGCCTTAAGCTGCTGGCCAAGCACCCCTGCCACATCAAGAAGTTCGAC[C>T]GCTACAAGTTTGAGATTACCGTGGGCATGCCATTCAGCAGCGGCGCTGACGGCTCGCGCA-3'
Protein context (NP_005996.2, residues 762-782): KHPCHIKKFD[Arg772Cys]YKFEITVGMP

ClinVar aggregate classification (germline): Uncertain significance. Review status: criteria provided, multiple submitters, no conflicts (2 of 4 stars). 7 submissions from 7 submitters: Uncertain significance (7). Last evaluated 2026-09-18.

Conditions:
Wolfram syndrome 1 (WFS1). Identifiers: Orphanet 3463, MedGen C4551693, MONDO:0009101, OMIM 222300.
WFS1-related disorder. Identifiers: MedGen CN379391, MONDO:0700293.
Inborn genetic diseases. Identifiers: MedGen C0950123, MeSH D030342.
Autosomal dominant nonsyndromic hearing loss 6 (LFSNHL). Also called: DEAFNESS, AUTOSOMAL DOMINANT 6; Autosomal dominant nonsyndromic deafness 6; DEAFNESS, AUTOSOMAL DOMINANT 14; DEAFNESS, AUTOSOMAL DOMINANT 38. Identifiers: Orphanet 90635, MedGen C1833021, MONDO:0010963, OMIM 600965.
Type 2 diabetes mellitus. Also called: Type II diabetes mellitus. Identifiers: MedGen C0011860, MeSH D003924, MONDO:0005148, OMIM 125853, HP:0005978.
Wolfram-like syndrome. Also called: HEARING LOSS, PROGRESSIVE, WITH OPTIC ATROPHY AND/OR IMPAIRED GLUCOSE REGULATION. Identifiers: Orphanet 411590, MedGen C3280358, MONDO:0013673, OMIM 614296.
Cataract 41 (CTRCT41). Also called: CATARACT 41, CONGENITAL NUCLEAR TYPE. Identifiers: Orphanet 91492, Orphanet 98991, Orphanet 98992, Orphanet 98995, MedGen C3805412, MONDO:0007287, OMIM 116400.

Allele frequency attached by ClinVar (database versions not stated): ExAC 0.00015; gnomAD exomes 0.00019; gnomAD 0.00021 and 0.00023; ESP Exome Variant Server 0.00023.
gnomAD v4.1: 344 of 1,612,820 alleles (0.021%); highest among the groups gnomAD compares: African/African-American, 0.04%; no homozygotes.

Submissions (7):

PreventionGenetics, part of Exact Sciences
Classification: Uncertain significance for WFS1-related condition. Last evaluated: 2026-09-18. Review status: criteria provided, single submitter. Criteria: ACMG Guidelines, 2015. Collection method: clinical testing. Allele origin: germline.
Comment: The WFS1 c.2314C>T variant is predicted to result in the amino acid substitution p.Arg772Cys. This variant was reported in an individual with diabetes (Table S6, Yu et al. 2019. PubMed ID: 31264968), in an individual with psychiatric disorder (Table 3, Torres et al. 2001. PubMed ID: 11244483) and in two brothers with Wolfram syndrome on the same allele with c.2194C>T (p.Arg732Cys) and in compound heterozygosity with c.2171C>T (p.Pro724Leu) (Ren et al. 2021. PubMed ID: 34404380). At PreventionGenetics p.Arg732Cys is currently interpreted as likely pathogenic and p.Pro724Leu is interpreted as pathogenic. This variant is reported in 0.20% of alleles in individuals of Ashkenazi Jewish descent in gnomAD. Although we suspect that this variant may be benign, at this time, the clinical significance of this variant is uncertain due to the absence of conclusive functional and genetic evidence.

Labcorp Genetics (formerly Invitae), Labcorp
Classification: Uncertain significance. Last evaluated: 2025-12-10. Review status: criteria provided, single submitter. Criteria: Invitae Variant Classification Sherloc (09022015). Collection method: clinical testing. Allele origin: germline.
Comment: This sequence change replaces arginine, which is basic and polar, with cysteine, which is neutral and slightly polar, at codon 772 of the WFS1 protein (p.Arg772Cys). This variant is present in population databases (rs149540655, gnomAD 0.2%). This missense change has been observed in individual(s) with type 1 diabetes (PMID: 31264968). ClinVar contains an entry for this variant (Variation ID: 1473197). Invitae Evidence Modeling of protein sequence and biophysical properties (such as structural, functional, and spatial information, amino acid conservation, physicochemical variation, residue mobility, and thermodynamic stability) indicates that this missense variant is expected to disrupt WFS1 protein function with a positive predictive value of 80%. In summary, the available evidence is currently insufficient to determine the role of this variant in disease. Therefore, it has been classified as a Variant of Uncertain Significance.

3billion
Classification: Uncertain significance for Wolfram syndrome 1. Last evaluated: 2025-07-22. Review status: criteria provided, single submitter. Criteria: ACMG Guidelines, 2015. Collection method: clinical testing. Allele origin: germline. Affected: yes.
Comment: The variant is observed at an extremely low frequency in the gnomAD v4.1.0 dataset (total allele frequency: 0.021%). Predicted Consequence/Location: Missense variant In silico tool predictions suggest damaging effect of the variant on gene or gene product [REVEL: 0.76 (>=0.6, sensitivity 0.68 and specificity 0.92)]. The variant has been reported as of uncertain significance (ClinVar ID: VCV001473197; PMID: 11244483; 3billion dataset). Different missense changes at the same codon have been reported as of uncertain significance (ClinVar ID: VCV001374061, VCV001405243). Therefore, this variant is classified as VUS according to the recommendation of ACMG/AMP guideline.

GeneDx
Classification: Uncertain significance. Last evaluated: 2025-03-21. Review status: criteria provided, single submitter. Criteria: GeneDx Variant Classification Process June 2021. Collection method: clinical testing. Allele origin: germline.
Comment: In silico analysis supports that this missense variant has a deleterious effect on protein structure/function; This variant is associated with the following publications: (PMID: 15473915, 12955714, 11244483, 31264968, 20738327, 34404380)

Fulgent Genetics
Classification: Uncertain significance for Cataract 41; Type 2 diabetes mellitus; Wolfram syndrome 1; Autosomal dominant nonsyndromic hearing loss 6; Wolfram-like syndrome. Last evaluated: 2024-04-26. Review status: criteria provided, single submitter. Criteria: ACMG Guidelines, 2015. Collection method: clinical testing. Allele origin: germline.

Department of Pathology and Laboratory Medicine, Sinai Health System
Classification: Uncertain significance for Cataract 41; Type 2 diabetes mellitus; Wolfram syndrome 1; Autosomal dominant nonsyndromic hearing loss 6; Wolfram-like syndrome. Last evaluated: 2022-12-14. Review status: criteria provided, single submitter. Criteria: ACMG Guidelines, 2015. Collection method: research. Allele origin: germline.

Ambry Genetics
Classification: Uncertain significance for Inborn genetic diseases. Last evaluated: 2022-05-10. Review status: criteria provided, single submitter. Criteria: Ambry Variant Classification Scheme 2023. Collection method: clinical testing. Allele origin: germline.
Comment: Unlikely to be causative of AD WSF1-related Wolfram syndrome and AD WFS1-related low frequency sensorineural hearing loss. Based on insufficient or conflicting evidence, the clinical significance of this alteration remains unclear.

Literature cited by the submitters: PubMed 31264968 (cited by Labcorp Genetics (formerly Invitae), Labcorp and Ambry Genetics); PubMed 34404380 (cited by Ambry Genetics).